The following is an entry in ClinVar:

NM_000233.4(LHCGR):c.2091A>T (p.Thr697=)

Genes: STON1-GTF2A1L (STON1-GTF2A1L readthrough; plus strand), LHCGR (luteinizing hormone/choriogonadotropin receptor; minus strand). Cytogenetic location: 2p16.3.
Variant type: single nucleotide variant.
Coding change: c.2091A>T on transcript NM_000233.4 (MANE Select); coding-DNA position 2091, A replaced by T.
Protein change: p.Thr697=; no amino-acid change (threonine 697 retained).
Molecular consequence: synonymous variant. On other transcripts: intron variant (1).
Genome position (GRCh38, 1-based): chr2:48,687,706, T>A on the plus strand (A>T on the coding strand, the complement: LHCGR is on the minus strand). VCF-style: chr2-48687706-T-A. GRCh37 (hg19) VCF-style: chr2-48914845-T-A.
Other names: c.3441+16026T>A (NM_001198593.2).
Identifiers: ClinVar variation 435750 (VCV000435750.9), dbSNP rs148244033, ClinGen allele CA1652929.
Genomic context (GRCh38, chr2:48,687,706, plus strand): 5'-TTTTTTTACAGGTTTAAGAACAATTCAATAATGCAGTTACTGATGTAACAGTTAACACTC[T>A]GTGTAGCGAGTCTTGTCTAGGAGAGCTGTACCTTGACAGTGCAATGTGGACAACTTCAAG-3'
Protein context (NP_000224.2, residues 687-699): GTALLDKTRY[Thr697=]EC

ClinVar aggregate classification (germline): Conflicting classifications of pathogenicity. Review status: criteria provided, conflicting classifications (1 of 4 stars). 3 submissions from 2 submitters: Uncertain significance (1); Likely benign (2). Last evaluated 2018-01-13.

Conditions:
Gonadotropin-independent familial sexual precocity. Also called: TESTOTOXICOSIS, FAMILIAL; Familial male-limited precocious puberty. Identifiers: Orphanet 3000, MedGen C0342549, MONDO:0008303, OMIM 176410.
Leydig cell agenesis. Also called: LEYDIG CELL HYPOPLASIA WITH MALE PSEUDOHERMAPHRODITISM; LEYDIG CELL HYPOPLASIA, COMPLETE; Leydig cell hypoplasia, type 1; HYPERGONADOTROPIC HYPOGONADISM, MALE, DUE TO LHCGR DEFECT. Identifiers: MedGen C0266432, MONDO:0009384, OMIM 238320.

Allele frequency attached by ClinVar (database versions not stated): gnomAD 0.00001; TOPMed 0.00001; ESP Exome Variant Server 0.00015.
gnomAD v4.1: 13 of 1,613,048 alleles (0.00081%); highest among the groups gnomAD compares: Non-Finnish European, 0.0011%; no homozygotes.

Submissions (3):

Illumina Laboratory Services, Illumina
Classification: Likely benign for Gonadotropin-independent familial sexual precocity. Last evaluated: 2018-01-13. Review status: criteria provided, single submitter. Criteria: ICSL Variant Classification Criteria 13 December 2019. Collection method: clinical testing. Allele origin: germline.
Comment: This variant was observed in the ICSL laboratory as part of a predisposition screen in an ostensibly healthy population. It had not been previously curated by ICSL or reported in the Human Gene Mutation Database (HGMD: prior to June 1st, 2018), and was therefore a candidate for classification through an automated scoring system. Utilizing variant allele frequency, disease prevalence and penetrance estimates, and inheritance mode, an automated score was calculated to assess if this variant is too frequent to cause the disease. Based on the score and internal cut-off values, a variant classified as likely benign is not then subjected to further curation. The score for this variant resulted in a classification of likely benign for this disease.

Illumina Laboratory Services, Illumina
Classification: Uncertain significance for Leydig cell agenesis. Last evaluated: 2018-01-13. Review status: criteria provided, single submitter. Criteria: ICSL Variant Classification Criteria 13 December 2019. Collection method: clinical testing. Allele origin: germline.

Genetic Services Laboratory, University of Chicago
Classification: Likely benign. Last evaluated: 2016-08-22. Review status: criteria provided, single submitter. Criteria: ACMG Guidelines, 2015. Collection method: clinical testing. Allele origin: germline. Affected: no.